The following is an entry in ClinVar:

ClinVar aggregate classification (germline): Uncertain significance (1 of 4 stars; one submission).

Submission:

Labcorp Genetics (formerly Invitae), Labcorp
Classification: Uncertain significance. Last evaluated: 2021-11-04. Review status: criteria provided, single submitter. Criteria: Invitae Variant Classification Sherloc (09022015). Collection method: clinical testing. Allele origin: germline.
Comment: This variant has not been reported in the literature in individuals affected with IFITM5-related conditions. This variant is not present in population databases (gnomAD no frequency). This sequence change replaces arginine, which is basic and polar, with proline, which is neutral and non-polar, at codon 11 of the IFITM5 protein (p.Arg11Pro). Algorithms developed to predict the effect of missense changes on protein structure and function (SIFT, PolyPhen-2, Align-GVGD) all suggest that this variant is likely to be tolerated. In summary, the available evidence is currently insufficient to determine the role of this variant in disease. Therefore, it has been classified as a Variant of Uncertain Significance.

NM_001025295.3(IFITM5):c.32G>C (p.Arg11Pro)

Gene: IFITM5 (interferon induced transmembrane protein 5; minus strand). Cytogenetic location: 11p15.5.
Variant type: single nucleotide variant.
Coding change: c.32G>C on transcript NM_001025295.3 (MANE Select); coding-DNA position 32, G replaced by C.
Protein change: p.Arg11Pro; replaces arginine 11 with proline.
Molecular consequence: missense variant.
Genome position (GRCh38, 1-based): chr11:299,459, C>G on the plus strand (G>C on the coding strand, the complement: IFITM5 is on the minus strand). VCF-style: chr11-299459-C-G. GRCh37 (hg19) VCF-style: chr11-299459-C-G.
Other names: short protein forms R11P.
Identifiers: ClinVar variation 1469358 (VCV001469358.6), dbSNP rs762079301, ClinGen allele CA216904617.